The following is an entry in ClinVar:

NM_001330260.2(SCN8A):c.3983T>C (p.Met1328Thr)

Gene: SCN8A (sodium voltage-gated channel alpha subunit 8; plus strand). Cytogenetic location: 12q13.13.
Variant type: single nucleotide variant.
Coding change: c.3983T>C on transcript NM_001330260.2 (MANE Select); coding-DNA position 3983, T replaced by C.
Protein change: p.Met1328Thr; replaces methionine 1328 with threonine.
Molecular consequence: missense variant.
Genome position (GRCh38, 1-based): chr12:51,786,582, T>C. VCF-style: chr12-51786582-T-C. GRCh37 (hg19) VCF-style: chr12-52180366-T-C.
Other names: c.3860T>C, p.Met1287Thr (NM_001177984.3, NM_001369788.1); c.3983T>C, p.Met1328Thr (NM_014191.4); short protein forms M1328T, M1287T.
Identifiers: ClinVar variation 3635199 (VCV003635199.2).

ClinVar aggregate classification (germline): Uncertain significance (1 of 4 stars; one submission).

Conditions:
Early-infantile DEE. Also called: Early infantile epileptic encephalopathy; Ohtahara syndrome; Early infantile epileptic encephalopathy with suppression bursts. Identifiers: Orphanet 1934, MedGen C0393706, MONDO:0800491.

Submission:

Labcorp Genetics (formerly Invitae), Labcorp
Classification: Uncertain significance for Early-infantile DEE. Last evaluated: 2024-04-29. Review status: criteria provided, single submitter. Criteria: Invitae Variant Classification Sherloc (09022015). Collection method: clinical testing. Allele origin: germline.
Comment: This sequence change replaces methionine, which is neutral and non-polar, with threonine, which is neutral and polar, at codon 1328 of the SCN8A protein (p.Met1328Thr). This variant is not present in population databases (gnomAD no frequency). This variant has not been reported in the literature in individuals affected with SCN8A-related conditions. Advanced modeling of protein sequence and biophysical properties (such as structural, functional, and spatial information, amino acid conservation, physicochemical variation, residue mobility, and thermodynamic stability) performed at Invitae indicates that this missense variant is expected to disrupt SCN8A protein function with a positive predictive value of 95%. In summary, the available evidence is currently insufficient to determine the role of this variant in disease. Therefore, it has been classified as a Variant of Uncertain Significance.